The following is an entry in ClinVar:

NM_000368.5(TSC1):c.1225A>G (p.Ile409Val)

Gene: TSC1 (TSC complex subunit 1; minus strand). Cytogenetic location: 9q34.13.
Variant type: single nucleotide variant.
Coding change: c.1225A>G on transcript NM_000368.5 (MANE Select); coding-DNA position 1225, A replaced by G.
Protein change: p.Ile409Val; replaces isoleucine 409 with valine.
Molecular consequence: missense variant. On other transcripts: non-coding transcript variant (5).
Genome position (GRCh38, 1-based): chr9:132,910,609, T>C on the plus strand (A>G on the coding strand, the complement: TSC1 is on the minus strand). VCF-style: chr9-132910609-T-C. GRCh37 (hg19) VCF-style: chr9-135785996-T-C.
Other names: c.1222A>G, p.Ile408Val (NM_001162426.2, NM_001406597.1, NM_001406598.1 and 6 more transcripts); c.1072A>G, p.Ile358Val (NM_001162427.2, NM_001406610.1); c.862A>G, p.Ile288Val (NM_001362177.2, NM_001406614.1, NM_001406615.1 and 5 more transcripts); c.1225A>G, p.Ile409Val (NM_001406592.1, NM_001406593.1, NM_001406594.1 and 7 more transcripts); c.1069A>G, p.Ile357Val (NM_001406613.1, NM_001406611.1, NM_001406612.1); c.859A>G, p.Ile287Val (NM_001406620.1, NM_001406621.1, NM_001406622.1 and 2 more transcripts); c.274A>G, p.Ile92Val (NM_001406626.1); c.271A>G, p.Ile91Val (NM_001406627.1, NM_001406628.1); and 1 more; short protein forms I287V, I288V, I357V, I358V, I408V, I409V, I58V, I91V.
Identifiers: ClinVar variation 3075259 (VCV003075259.3), dbSNP rs2131940667, ClinGen allele CA375366863.
Genomic context (GRCh38, chr9:132,910,609, plus strand): 5'-TAGCAGACGAGCTGGATCGCACCTTCCTGGGGGGTGTGACTGTGGCCTGGGGGAGTGAAA[T>C]GTGCACGTAGTCATCCGAATGACAGAGTGGGGCTGGAGGAGGAGAGGTTGCTGGGGTTCC-3'
Protein context (NP_000359.1, residues 399-419): PLCHSDDYVH[Ile409Val]SLPQATVTPP

ClinVar aggregate classification (germline): Uncertain significance. Review status: criteria provided, multiple submitters, no conflicts (2 of 4 stars). 3 submissions from 3 submitters: Uncertain significance (3). Last evaluated 2026-05-21.

Conditions:
Tuberous sclerosis syndrome (TSC). Also called: Tuberous Sclerosis Complex; Tuberous sclerosis. Identifiers: Orphanet 805, MedGen C0041341, MONDO:0001734.
Hereditary cancer-predisposing syndrome. Also called: Tumor predisposition; Hereditary neoplastic syndrome; Neoplastic Syndromes, Hereditary; Hereditary Cancer Syndrome. Identifiers: Orphanet 140162, MedGen C0027672, MeSH D009386, MONDO:0015356.
Tuberous sclerosis 1 (TSC1). Identifiers: Orphanet 805, MedGen C1854465, MONDO:0008612, OMIM 191100.

Submissions (3):

Ambry Genetics
Classification: Uncertain significance for Hereditary cancer-predisposing syndrome. Last evaluated: 2026-05-21. Review status: criteria provided, single submitter. Criteria: Ambry Variant Classification Scheme 2023. Collection method: clinical testing. Allele origin: germline.
Comment: The p.I409V variant (also known as c.1225A>G), located in coding exon 10 of the TSC1 gene, results from an A to G substitution at nucleotide position 1225. The isoleucine at codon 409 is replaced by valine, an amino acid with highly similar properties. This amino acid position is conserved. In addition, this alteration is predicted to be tolerated by in silico analysis. Based on the available evidence, the clinical significance of this variant remains unclear.

All of Us Research Program, National Institutes of Health
Classification: Uncertain significance for Tuberous sclerosis syndrome. Last evaluated: 2024-01-03. Review status: criteria provided, single submitter. Criteria: ACMG Guidelines, 2015. Collection method: clinical testing. Allele origin: germline. Inheritance: Autosomal dominant inheritance. Observed: 1 variant allele, 1 heterozygote.
Comment: This missense variant replaces isoleucine with valine at codon 409 of the TSC1 protein. Computational prediction suggests that this variant may not impact protein structure and function (internally defined REVEL score threshold <= 0.5, PMID: 27666373). To our knowledge, functional studies have not been reported for this variant. This variant has not been reported in individuals affected with TSC1-related disorders in the literature. This variant has not been identified in the general population by the Genome Aggregation Database (gnomAD). The available evidence is insufficient to determine the role of this variant in disease conclusively. Therefore, this variant is classified as a Variant of Uncertain Significance.

This study involves interpretation of variants in research participants for the purpose of population health screening. Participant phenotype was not available at the time of variant classification. Additional details can be found in publication PMID: 35346344, PMCID: PMC8962531

Clinical Genomics Laboratory, Stanford Medicine
Classification: Uncertain significance for Tuberous sclerosis 1. Last evaluated: 2022-10-24. Review status: criteria provided, single submitter. Criteria: ACMG Guidelines, 2015. Collection method: clinical testing. Allele origin: germline. Observed: 1 variant allele, 1 heterozygote.